The following is an entry in ClinVar:

NM_152594.3(SPRED1):c.800G>A (p.Trp267Ter)

Gene: SPRED1 (sprouty related EVH1 domain containing 1; plus strand). Cytogenetic location: 15q14.
Variant type: single nucleotide variant.
Coding change: c.800G>A on transcript NM_152594.3 (MANE Select); coding-DNA position 800, G replaced by A.
Protein change: p.Trp267Ter; replaces tryptophan 267 with a stop codon.
Molecular consequence: nonsense.
Genome position (GRCh38, 1-based): chr15:38,351,129, G>A. VCF-style: chr15-38351129-G-A. GRCh37 (hg19) VCF-style: chr15-38643330-G-A.
Other names: short protein forms W267*.
Identifiers: ClinVar variation 641432 (VCV000641432.9), dbSNP rs1595763557, ClinGen allele CA391933273.
Genomic context (GRCh38, chr15:38,351,129, plus strand): 5'-GAATAAACCCTCGAGATATCTTAATACGTCGCTATGCAGACTACAGACATCCTGACATGT[G>A]GAAAAATGACTTGGAAAGAGATGATGCTGATTCCAGTATTCAGTTTTCTAAACCAGACAG-3'

ClinVar aggregate classification (germline): Pathogenic (1 of 4 stars; one submission).

Conditions:
Legius syndrome. Identifiers: Orphanet 137605, MedGen C1969623, MONDO:0012669, OMIM 611431. Disease mechanism: loss of function.

Submission:

Labcorp Genetics (formerly Invitae), Labcorp
Classification: Pathogenic for Legius syndrome. Last evaluated: 2018-10-08. Review status: criteria provided, single submitter. Criteria: Invitae Variant Classification Sherloc (09022015). Collection method: clinical testing. Allele origin: germline.
Comment: This sequence change results in a premature translational stop signal in the SPRED1 gene (p.Trp267*). While this is not anticipated to result in nonsense mediated decay, it is expected to disrupt the last 178 amino acids of the SPRED1 protein. This variant is not present in population databases (ExAC no frequency). This variant has not been reported in the literature in individuals with SPRED1-related disease. While experimental studies have not been performed on this particular variant, it is expected to disrupt the Sprouty domain of the SPRED1 protein, which is necessary for proper function of the SPRED1 protein (PMID: 15683364). This variant disrupts the C-terminus of the SPRED1 protein. Other variant(s) that disrupt this region (p.Gly385Ilefs*20) have been determined to be pathogenic (PMID: 17704776, 21089071, 19920235, 15683364). This suggests that variants that disrupt this region of the protein are likely to be causative of disease. For these reasons, this variant has been classified as Pathogenic.

Literature cited by the submitters: PubMed 15683364; PubMed 17704776; PubMed 21089071; PubMed 19920235.